The following is an entry in ClinVar:

ClinVar aggregate classification (germline): Uncertain significance (1 of 4 stars; one submission).

Conditions:
Hereditary cancer-predisposing syndrome. Also called: Neoplastic Syndromes, Hereditary; Tumor predisposition; Hereditary Cancer Syndrome; Hereditary neoplastic syndrome. Identifiers: Orphanet 140162, MedGen C0027672, MeSH D009386, MONDO:0015356.

Submission:

Ambry Genetics
Classification: Uncertain significance for Hereditary cancer-predisposing syndrome. Last evaluated: 2025-10-03. Review status: criteria provided, single submitter. Criteria: Ambry Variant Classification Scheme 2023. Collection method: clinical testing. Allele origin: germline.
Comment: The p.M797I variant (also known as c.2391G>A), located in coding exon 21 of the POLE gene, results from a G to A substitution at nucleotide position 2391. The methionine at codon 797 is replaced by isoleucine, an amino acid with highly similar properties. This amino acid position is conserved. In addition, the in silico prediction for this alteration is inconclusive. Based on the available evidence, the clinical significance of this variant remains unclear.

NM_006231.4(POLE):c.2391G>A (p.Met797Ile)

Gene: POLE (DNA polymerase epsilon, catalytic subunit; minus strand). Cytogenetic location: 12q24.33.
Variant type: single nucleotide variant.
Coding change: c.2391G>A on transcript NM_006231.4 (MANE Select); coding-DNA position 2391, G replaced by A.
Protein change: p.Met797Ile; replaces methionine 797 with isoleucine.
Molecular consequence: missense variant.
Genome position (GRCh38, 1-based): chr12:132,665,379, C>T on the plus strand (G>A on the coding strand, the complement: POLE is on the minus strand). VCF-style: chr12-132665379-C-T. GRCh37 (hg19) VCF-style: chr12-133241965-C-T.
Other names: short protein forms M797I.
Identifiers: ClinVar variation 4671740 (VCV004671740.1).